The following is an entry in ClinVar:

ClinVar aggregate classification (germline): Likely pathogenic (1 of 4 stars; one submission).

Conditions:
Brain small vessel disease 1 with or without ocular anomalies (BSVD1). Also called: PORENCEPHALY, TYPE 1, AUTOSOMAL DOMINANT; Brain small vessel disease with or without ocular anomalies; GOULD SYNDROME 1; BRAIN SMALL VESSEL DISEASE WITH HEMORRHAGE. Identifiers: Orphanet 2940, Orphanet 36383, Orphanet 99810, MedGen C4755307, MONDO:0008289, OMIM 175780.

Submission:

MVZ Medizinische Genetik Mainz
Classification: Likely pathogenic for Brain small vessel disease 1 with or without ocular anomalies. Last evaluated: 2023-09-14. Review status: criteria provided, single submitter. Criteria: UK Practice Guidelines For Variant Classification V4 01 2020. Collection method: clinical testing. Allele origin: germline. Inheritance: Autosomal dominant inheritance. Observed: 1 variant allele.
Comment: ACMG Criteria: PVS1,PM2_SUP

NM_001845.6(COL4A1):c.2753del (p.Gly918fs)

Gene: COL4A1 (collagen type IV alpha 1 chain; minus strand). Cytogenetic location: 13q34.
Variant type: Deletion.
Coding change: c.2753del on transcript NM_001845.6 (MANE Select); coding-DNA position 2753, one base deleted (G; older notation c.2753delG).
Protein change: p.Gly918fs; shifts the reading frame from glycine 918.
Molecular consequence: frameshift variant.
Genome position (GRCh38, 1-based): chr13:110,177,001, C deleted on the plus strand (G on the coding strand, the reverse complement: COL4A1 is on the minus strand); the first of 4 consecutive C bases (chr13:110,177,001-110,177,004); deleting any one gives the same sequence. VCF-style (leftmost placement, unchanged base first): chr13-110177000-TC-T. GRCh37 (hg19) VCF-style: chr13-110829347-TC-T.
Other names: short protein forms G918fs.
Identifiers: ClinVar variation 3236238 (VCV003236238.1), dbSNP rs2501777443, ClinGen allele CA2825002171.